The following is an entry in ClinVar:

ClinVar aggregate classification (germline): Conflicting classifications of pathogenicity. Review status: criteria provided, conflicting classifications (1 of 4 stars). 2 submissions from 2 submitters: Uncertain significance (1); Likely benign (1). Last evaluated 2025-08-28.

Conditions:
Hereditary cancer-predisposing syndrome. Also called: Hereditary neoplastic syndrome; Neoplastic Syndromes, Hereditary; Tumor predisposition; Hereditary Cancer Syndrome. Identifiers: Orphanet 140162, MedGen C0027672, MeSH D009386, MONDO:0015356.

Submissions (2):

Labcorp Genetics (formerly Invitae), Labcorp
Classification: Uncertain significance. Last evaluated: 2025-08-28. Review status: criteria provided, single submitter. Criteria: Invitae Variant Classification Sherloc (09022015). Collection method: clinical testing. Allele origin: germline.
Comment: This sequence change replaces glutamic acid, which is acidic and polar, with glutamine, which is neutral and polar, at codon 51 of the POLE protein (p.Glu51Gln). This variant is not present in population databases (gnomAD no frequency). This variant has not been reported in the literature in individuals affected with POLE-related conditions. Invitae Evidence Modeling of protein sequence and biophysical properties (such as structural, functional, and spatial information, amino acid conservation, physicochemical variation, residue mobility, and thermodynamic stability) indicates that this missense variant is not expected to disrupt POLE protein function with a negative predictive value of 80%. In summary, the available evidence is currently insufficient to determine the role of this variant in disease. Therefore, it has been classified as a Variant of Uncertain Significance.

Ambry Genetics
Classification: Likely benign for Hereditary cancer-predisposing syndrome. Last evaluated: 2025-07-03. Review status: criteria provided, single submitter. Criteria: Ambry Variant Classification Scheme 2023. Collection method: clinical testing. Allele origin: germline.

NM_006231.4(POLE):c.151G>C (p.Glu51Gln)

Gene: POLE (DNA polymerase epsilon, catalytic subunit; minus strand). Cytogenetic location: 12q24.33.
Variant type: single nucleotide variant.
Coding change: c.151G>C on transcript NM_006231.4 (MANE Select); coding-DNA position 151, G replaced by C.
Protein change: p.Glu51Gln; replaces glutamic acid 51 with glutamine.
Molecular consequence: missense variant.
Genome position (GRCh38, 1-based): chr12:132,681,191, C>G on the plus strand (G>C on the coding strand, the complement: POLE is on the minus strand). VCF-style: chr12-132681191-C-G. GRCh37 (hg19) VCF-style: chr12-133257777-C-G.
Other names: short protein forms E51Q.
Identifiers: ClinVar variation 4141140 (VCV004141140.2).